The following is an entry in ClinVar:

NM_000760.4(CSF3R):c.2333C>A (p.Ala778Glu)

Gene: CSF3R (colony stimulating factor 3 receptor; minus strand). Cytogenetic location: 1p34.3.
Variant type: single nucleotide variant.
Coding change: c.2333C>A on transcript NM_000760.4 (MANE Select); coding-DNA position 2333, C replaced by A.
Protein change: p.Ala778Glu; replaces alanine 778 with glutamic acid.
Molecular consequence: missense variant. On other transcripts: intron variant (1).
Genome position (GRCh38, 1-based): chr1:36,466,535, G>T on the plus strand (C>A on the coding strand, the complement: CSF3R is on the minus strand). VCF-style: chr1-36466535-G-T. GRCh37 (hg19) VCF-style: chr1-36932136-G-T.
Other names: c.2414C>A, p.Ala805Glu (NM_156039.3); c.2247+86C>A (NM_172313.3); short protein forms A778E, A805E.
Identifiers: ClinVar variation 1996951 (VCV001996951.4), dbSNP rs759549054, ClinGen allele CA339413209.

ClinVar aggregate classification (germline): Uncertain significance (1 of 4 stars; one submission).

Conditions:
Autosomal recessive severe congenital neutropenia due to CSF3R deficiency. Also called: Neutropenia, severe congenital, 7, autosomal recessive. Identifiers: Orphanet 420702, MedGen C4310764, MONDO:0014865, OMIM 617014.

gnomAD v4.1: 2 of 1,608,880 alleles (0.00012%); highest among the groups gnomAD compares: Admixed American, 0.0017%; no homozygotes.

Submission:

Labcorp Genetics (formerly Invitae), Labcorp
Classification: Uncertain significance for Autosomal recessive severe congenital neutropenia due to CSF3R deficiency. Last evaluated: 2025-04-21. Review status: criteria provided, single submitter. Criteria: Invitae Variant Classification Sherloc (09022015). Collection method: clinical testing. Allele origin: germline.
Comment: This sequence change replaces alanine, which is neutral and non-polar, with glutamic acid, which is acidic and polar, at codon 778 of the CSF3R protein (p.Ala778Glu). The frequency data for this variant in the population databases is considered unreliable, as metrics indicate poor data quality at this position in the gnomAD database. This variant has not been reported in the literature in individuals affected with CSF3R-related conditions. ClinVar contains an entry for this variant (Variation ID: 1996951). An algorithm developed to predict the effect of missense changes on protein structure and function outputs the following: PolyPhen-2: "Benign". The glutamic acid amino acid residue is found in multiple mammalian species, which suggests that this missense change does not adversely affect protein function. In summary, the available evidence is currently insufficient to determine the role of this variant in disease. Therefore, it has been classified as a Variant of Uncertain Significance.